The following is an entry in ClinVar:

ClinVar aggregate classification (germline): Uncertain significance (1 of 4 stars; one submission).

Submission:

GeneDx
Classification: Uncertain significance. Last evaluated: 2025-07-29. Review status: criteria provided, single submitter. Criteria: GeneDx Variant Classification Process June 2021. Collection method: clinical testing. Allele origin: germline. Affected: yes.
Comment: In silico analysis suggests that this variant does not alter protein structure/function; Has not been previously published as pathogenic or benign to our knowledge

NM_001171613.2(PREPL):c.-27_-26delinsAT

Gene: PREPL (prolyl endopeptidase like; minus strand). Cytogenetic location: 2p21.
Variant type: Indel.
Coding change: c.-27_-26delinsAT on transcript NM_001171613.2 (MANE Select); 27 bases upstream of the start codon through 26 bases upstream of the start codon, GA replaced by AT.
Molecular consequence: 5 prime UTR variant. On other transcripts: missense variant (7).
Genome position (GRCh38, 1-based): chr2:44,346,368-44,346,369, TC replaced by AT on the plus strand (GA replaced by AT on the coding strand, the reverse complement: PREPL is on the minus strand). VCF-style: chr2-44346368-TC-AT. GRCh37 (hg19) VCF-style: chr2-44573507-TC-AT.
Other names: c.241_242delinsAT, p.Glu81Ile (NM_001042385.2, NM_001042386.2, NM_001171603.1 and 4 more transcripts); c.-27_-26delinsAT (NM_001171617.1, NM_001374277.1); short protein forms E81I.
Identifiers: ClinVar variation 4690092 (VCV004690092.1).